The following is an entry in ClinVar:

NM_000256.3(MYBPC3):c.251G>A (p.Gly84Asp)

Gene: MYBPC3 (myosin binding protein C3; minus strand). Cytogenetic location: 11p11.2.
Variant type: single nucleotide variant.
Coding change: c.251G>A on transcript NM_000256.3 (MANE Select); coding-DNA position 251, G replaced by A.
Protein change: p.Gly84Asp; replaces glycine 84 with aspartic acid.
Molecular consequence: missense variant.
Genome position (GRCh38, 1-based): chr11:47,351,280, C>T on the plus strand (G>A on the coding strand, the complement: MYBPC3 is on the minus strand). VCF-style: chr11-47351280-C-T. GRCh37 (hg19) VCF-style: chr11-47372831-C-T.
Other names: short protein forms G84D.
Identifiers: ClinVar variation 802676 (VCV000802676.13), dbSNP rs569824900, ClinGen allele CA050305.

ClinVar aggregate classification (germline): Uncertain significance. Review status: criteria provided, multiple submitters, no conflicts (2 of 4 stars). 3 submissions from 3 submitters: Uncertain significance (3). Last evaluated 2026-01-13.

Conditions:
Hypertrophic cardiomyopathy 4. Also called: Familial hypertrophic cardiomyopathy 4. Identifiers: MedGen C1861862, MONDO:0007268, OMIM 115197.
Hypertrophic cardiomyopathy. Also called: HYPERTROPHIC MYOCARDIOPATHY. Identifiers: Orphanet 217569, MedGen C0007194, MeSH D002312, MONDO:0005045, HP:0001639.
Cardiomyopathy (CMYO). Also called: Cardiomyopathies. Identifiers: Orphanet 167848, MedGen C0878544, MONDO:0004994, HP:0001638. Inheritance: Various modes of inheritance.

Allele frequency attached by ClinVar (database versions not stated): gnomAD 0.00001; gnomAD exomes 0.00001 and 0.00002; ExAC 0.00004; 1000 Genomes Project 0.00020; 1000 Genomes Project 30x 0.00031.
gnomAD v4.1: 17 of 1,557,726 alleles (0.0011%); highest among the groups gnomAD compares: South Asian, 0.018%; no homozygotes.

Submissions (3):

Labcorp Genetics (formerly Invitae), Labcorp
Classification: Uncertain significance for Hypertrophic cardiomyopathy. Last evaluated: 2026-01-13. Review status: criteria provided, single submitter. Criteria: Invitae Variant Classification Sherloc (09022015). Collection method: clinical testing. Allele origin: germline.
Comment: This sequence change replaces glycine, which is neutral and non-polar, with aspartic acid, which is acidic and polar, at codon 84 of the MYBPC3 protein (p.Gly84Asp). The frequency data for this variant in the population databases is considered unreliable, as metrics indicate poor data quality at this position in the gnomAD database. This missense change has been observed in individual(s) with clinical features of dilated cardiomyopathy or hypertrophic cardiomyopathy (PMID: 21750094; internal data). ClinVar contains an entry for this variant (Variation ID: 802676). An algorithm developed to predict the effect of missense changes on protein structure and function (PolyPhen-2) suggests that this variant is likely to be disruptive. In summary, the available evidence is currently insufficient to determine the role of this variant in disease. Therefore, it has been classified as a Variant of Uncertain Significance.

Color Diagnostics, LLC DBA Color Health
Classification: Uncertain significance for Cardiomyopathy. Last evaluated: 2020-04-14. Review status: criteria provided, single submitter. Criteria: ACMG Guidelines, 2015. Collection method: clinical testing. Allele origin: germline.
Comment: This missense variant replaces glycine with aspartic acid at codon 84 of the MYBPC3 protein. Computational prediction is inconclusive regarding the impact of this variant on protein structure and function (internally defined REVEL score threshold 0.5 < inconclusive < 0.7, PMID: 27666373). To our knowledge, functional studies have not been reported for this variant. This variant has been reported in an individual affected with dilated cardiomyopathy (PMID: 21750094). This variant has been identified in 3/179582 chromosomes in the general population by the Genome Aggregation Database (gnomAD). The available evidence is insufficient to determine the role of this variant in disease conclusively. Therefore, this variant is classified as a Variant of Uncertain Significance.

Mendelics
Classification: Uncertain significance for Hypertrophic cardiomyopathy 4. Last evaluated: 2019-05-28. Review status: criteria provided, single submitter. Criteria: Mendelics Assertion Criteria 2017. Collection method: clinical testing. Allele origin: unknown.

Literature cited by the submitters: PubMed 21750094 (cited by Labcorp Genetics (formerly Invitae), Labcorp).